The following is an entry in ClinVar:

ClinVar aggregate classification (germline): Uncertain significance (1 of 4 stars; one submission).

Submission:

Labcorp Genetics (formerly Invitae), Labcorp
Classification: Uncertain significance. Last evaluated: 2022-08-31. Review status: criteria provided, single submitter. Criteria: Invitae Variant Classification Sherloc (09022015). Collection method: clinical testing. Allele origin: germline.
Comment: In summary, the available evidence is currently insufficient to determine the role of this variant in disease. Therefore, it has been classified as a Variant of Uncertain Significance. Algorithms developed to predict the effect of missense changes on protein structure and function (SIFT, PolyPhen-2, Align-GVGD) all suggest that this variant is likely to be tolerated. ClinVar contains an entry for this variant (Variation ID: 1011806). This variant has not been reported in the literature in individuals affected with FAM161A-related conditions. This variant is not present in population databases (gnomAD no frequency). This sequence change replaces aspartic acid, which is acidic and polar, with asparagine, which is neutral and polar, at codon 666 of the FAM161A protein (p.Asp666Asn).

NM_001201543.2(FAM161A):c.1996G>A (p.Asp666Asn)

Gene: FAM161A (FAM161 centrosomal protein A; minus strand). Cytogenetic location: 2p15.
Variant type: single nucleotide variant.
Coding change: c.1996G>A on transcript NM_001201543.2 (MANE Select); coding-DNA position 1996, G replaced by A.
Protein change: p.Asp666Asn; replaces aspartic acid 666 with asparagine.
Molecular consequence: missense variant. On other transcripts: non-coding transcript variant (1).
Genome position (GRCh38, 1-based): chr2:61,827,114, C>T on the plus strand (G>A on the coding strand, the complement: FAM161A is on the minus strand). VCF-style: chr2-61827114-C-T. GRCh37 (hg19) VCF-style: chr2-62054249-C-T.
Other names: c.1828G>A, p.Asp610Asn (NM_032180.3); short protein forms D610N, D666N.
Identifiers: ClinVar variation 1011806 (VCV001011806.10), dbSNP rs1672395727, ClinGen allele CA346984411.